The following is an entry in ClinVar:

NM_006979.3(SLC39A7):c.1187C>T (p.Ala396Val)

Gene: SLC39A7 (solute carrier family 39 member 7; plus strand). Cytogenetic location: 6p21.32.
Variant type: single nucleotide variant.
Coding change: c.1187C>T on transcript NM_006979.3 (MANE Select); coding-DNA position 1187, C replaced by T.
Protein change: p.Ala396Val; replaces alanine 396 with valine.
Molecular consequence: missense variant.
Genome position (GRCh38, 1-based): chr6:33,203,590, C>T. VCF-style: chr6-33203590-C-T. GRCh37 (hg19) VCF-style: chr6-33171367-C-T.
Other names: c.1187C>T, p.Ala396Val (NM_001077516.2); c.812C>T, p.Ala271Val (NM_001288777.2); short protein forms A396V, A271V.
Identifiers: ClinVar variation 1486000 (VCV001486000.5), dbSNP rs748872610, ClinGen allele CA3752440.
Genomic context (GRCh38, chr6:33,203,590, plus strand): 5'-CTGCCCATCAGGCGATGCGTCTGCAACTACTGACAGCAGTAGGGGCACTGGCAGGCACAG[C>T]CTGTGCCCTTCTCACTGAAGGAGGAGCAGTGGGCAGTGAAATTGCAGGTGGTGCAGGTCC-3'
Protein context (NP_008910.2, residues 386-406): LTAVGALAGT[Ala396Val]CALLTEGGAV

ClinVar aggregate classification (germline): Uncertain significance (1 of 4 stars; one submission).

Allele frequency attached by ClinVar (database versions not stated): gnomAD exomes below 0.00001 and 0.00001; ExAC 0.00001; TOPMed 0.00003.

Submission:

Labcorp Genetics (formerly Invitae), Labcorp
Classification: Uncertain significance. Last evaluated: 2022-08-23. Review status: criteria provided, single submitter. Criteria: Invitae Variant Classification Sherloc (09022015). Collection method: clinical testing. Allele origin: germline.
Comment: This sequence change replaces alanine, which is neutral and non-polar, with valine, which is neutral and non-polar, at codon 396 of the SLC39A7 protein (p.Ala396Val). This variant is present in population databases (rs748872610, gnomAD 0.0009%). This variant has not been reported in the literature in individuals affected with SLC39A7-related conditions. ClinVar contains an entry for this variant (Variation ID: 1486000). Algorithms developed to predict the effect of missense changes on protein structure and function (SIFT, PolyPhen-2, Align-GVGD) all suggest that this variant is likely to be tolerated. In summary, the available evidence is currently insufficient to determine the role of this variant in disease. Therefore, it has been classified as a Variant of Uncertain Significance.